The following is an entry in ClinVar:

NM_030761.5(WNT4):c.203G>A (p.Arg68His)

Gene: WNT4 (Wnt family member 4; minus strand). Cytogenetic location: 1p36.12.
Variant type: single nucleotide variant.
Coding change: c.203G>A on transcript NM_030761.5 (MANE Select); coding-DNA position 203, G replaced by A.
Protein change: p.Arg68His; replaces arginine 68 with histidine.
Molecular consequence: missense variant.
Genome position (GRCh38, 1-based): chr1:22,129,726, C>T on the plus strand (G>A on the coding strand, the complement: WNT4 is on the minus strand). VCF-style: chr1-22129726-C-T. GRCh37 (hg19) VCF-style: chr1-22456219-C-T.
Other names: short protein forms R68H.
Identifiers: ClinVar variation 2630822 (VCV002630822.1), dbSNP rs557427439, ClinGen allele CA675495.
Genomic context (GRCh38, chr1:22,129,726, plus strand): 5'-TTCCAGCGCCGGTTCCGGAACTGGTACTGGCACTCCTCAATGGCCAGCTGGGCACCGCGG[C>T]GCACCGAGTCCATGACTTCCAGGTTCCGCTTGCACATCTGCACCTGCCTCTGGATCAGGC-3'
Protein context (NP_110388.2, residues 58-78): KRNLEVMDSV[Arg68His]RGAQLAIEEC

ClinVar aggregate classification (germline): Uncertain significance (1 of 4 stars; one submission).

Conditions:
WNT4-related disorder. Also called: WNT4-related condition.

Allele frequency attached by ClinVar (database versions not stated): gnomAD 0.00001; gnomAD exomes 0.00001; TOPMed 0.00001; ExAC 0.00002; 1000 Genomes Project 30x 0.00016; 1000 Genomes Project 0.00020.
gnomAD v4.1: 15 of 1,613,996 alleles (0.00093%); highest among the groups gnomAD compares: Middle Eastern, 0.016%; no homozygotes.

Submission:

PreventionGenetics, part of Exact Sciences
Classification: Uncertain significance for WNT4-related condition. Last evaluated: 2023-09-20. Review status: criteria provided, single submitter. Criteria: ACMG Guidelines, 2015. Collection method: clinical testing. Allele origin: germline.
Comment: The WNT4 c.203G>A variant is predicted to result in the amino acid substitution p.Arg68His. To our knowledge, this variant has not been reported in the literature. This variant is reported in 0.0054% of alleles in individuals of East Asian descent in gnomAD. At this time, the clinical significance of this variant is uncertain due to the absence of conclusive functional and genetic evidence.